The following is an entry in ClinVar:

ClinVar aggregate classification (germline): Pathogenic/Likely pathogenic. Review status: criteria provided, multiple submitters, no conflicts (2 of 4 stars). 5 submissions from 5 submitters: Pathogenic (2); Likely pathogenic (1). 2 of the submissions do not count toward it. Last evaluated 2024-03-29.

Conditions:
Joubert syndrome and related disorders. Identifiers: Orphanet 140874, MedGen C5679612, MONDO:0015369.
INPP5E-related disorder. Also called: INPP5E-related condition.
Joubert syndrome 1 (JBTS1). Also called: Cerebellooculorenal syndrome 1; CEREBELLOPARENCHYMAL DISORDER IV. Identifiers: MedGen C4551568, MONDO:0008944, OMIM 213300.
Joubert syndrome. Also called: JOUBERT-BOLTSHAUSER SYNDROME; Familial aplasia of the vermis. Identifiers: Orphanet 475, MedGen C5979921, MONDO:0018772.

Allele frequency attached by ClinVar (database versions not stated): TOPMed below 0.00001; ExAC 0.00005; gnomAD 0.00001; gnomAD exomes 0.00001.

Submissions (5):

Genomic Medicine Center of Excellence, King Faisal Specialist Hospital and Research Centre
Classification: Pathogenic for Joubert syndrome 1. Last evaluated: 2024-03-29. Review status: criteria provided, single submitter. Criteria: ACMG Guidelines, 2015. Collection method: clinical testing. Allele origin: germline.

Labcorp Genetics (formerly Invitae), Labcorp
Classification: Pathogenic for Joubert syndrome. Last evaluated: 2023-09-19. Review status: criteria provided, single submitter. Criteria: Invitae Variant Classification Sherloc (09022015). Collection method: clinical testing. Allele origin: germline.
Comment: For these reasons, this variant has been classified as Pathogenic. This variant disrupts the p.Arg435 amino acid residue in INPP5E. Other variant(s) that disrupt this residue have been determined to be pathogenic (PMID: 23386033, 30202406). This suggests that this residue is clinically significant, and that variants that disrupt this residue are likely to be disease-causing. Advanced modeling of protein sequence and biophysical properties (such as structural, functional, and spatial information, amino acid conservation, physicochemical variation, residue mobility, and thermodynamic stability) performed at Invitae indicates that this missense variant is expected to disrupt INPP5E protein function. ClinVar contains an entry for this variant (Variation ID: 375472). This missense change has been observed in individual(s) with Joubert syndrome and related disorders (PMID: 29230161). The frequency data for this variant in the population databases is considered unreliable, as metrics indicate poor data quality at this position in the gnomAD database. This sequence change replaces arginine, which is basic and polar, with tryptophan, which is neutral and slightly polar, at codon 435 of the INPP5E protein (p.Arg435Trp).

Blueprint Genetics
Classification: Likely pathogenic for INPP5E-related disorders. Last evaluated: 2020-01-31. Review status: criteria provided, single submitter. Criteria: ACMG Guidelines, 2015. Collection method: clinical testing. Allele origin: germline. Affected: yes. Observed: 2 variant alleles.

PreventionGenetics, part of Exact Sciences
Classification: Uncertain significance for INPP5E-related condition. Last evaluated: 2024-07-12. Review status: no assertion criteria provided. Collection method: clinical testing. Allele origin: germline. Not counted in ClinVar's aggregate classification.
Comment: The INPP5E c.1303C>T variant is predicted to result in the amino acid substitution p.Arg435Trp. This variant was reported in the homozygous state in an individual with Joubert syndrome with nephropathy (Shetty et al. 2017. PubMed ID: 29230161). This variant is reported in 0.0087% of alleles in individuals of East Asian descent in gnomAD. A different amino acid substitution at this position (p.Arg435Gln) has been reported in individuals with Joubert syndrome (Bielas et al. 2009. PubMed ID: 19668216; Alfares et al. 2018. PubMed ID: 30202406). Although we suspect that c.1303C>T (p.Arg435Trp) may be pathogenic, the clinical significance of this variant is uncertain due to the absence of conclusive functional and genetic evidence.

Manipal Hospitals, Manipal Hospital
Classification: Likely pathogenic for Joubert syndrome and related disorders. Last evaluated: 2016-05-16. Review status: no assertion criteria provided. Collection method: clinical testing. Allele origin: germline. Affected: yes. Observed: 3 variant alleles. Study: Joubert_Syndrome. Not counted in ClinVar's aggregate classification.
Comment: Mutations in INPP5E cause Joubert syndrome: a clinically and genetically heterogenous group of disorders characterized by midbrain-hindbrain malformation and various associated ciliopathies. Features include the classic molar tooth sign on MRI, delayed psychomotor development, mental retardation, ataxia, hypotonia,ptosis,strabismus.

Literature cited by the submitters: PubMed 23386033 (cited by Labcorp Genetics (formerly Invitae), Labcorp); PubMed 30202406 (cited by Labcorp Genetics (formerly Invitae), Labcorp); PubMed 29230161 (cited by Labcorp Genetics (formerly Invitae), Labcorp); PMC 3778343 (cited by Manipal Hospitals, Manipal Hospital); PMC 2746682 (cited by Manipal Hospitals, Manipal Hospital).

NM_019892.6(INPP5E):c.1303C>T (p.Arg435Trp)

Gene: INPP5E (inositol polyphosphate-5-phosphatase E; minus strand). Cytogenetic location: 9q34.3.
Variant type: single nucleotide variant.
Coding change: c.1303C>T on transcript NM_019892.6 (MANE Select); coding-DNA position 1303, C replaced by T.
Protein change: p.Arg435Trp; replaces arginine 435 with tryptophan.
Molecular consequence: missense variant.
Genome position (GRCh38, 1-based): chr9:136,432,563, G>A on the plus strand (C>T on the coding strand, the complement: INPP5E is on the minus strand). VCF-style: chr9-136432563-G-A. GRCh37 (hg19) VCF-style: chr9-139327015-G-A.
Other names: c.1300C>T, p.Arg434Trp (NM_001318502.2); c.1303C>T (NM_019892.5); short protein forms R435W, R434W.
Identifiers: ClinVar variation 375472 (VCV000375472.11), dbSNP rs756789619, ClinGen allele CA5336846.